The following is an entry in ClinVar:

NM_000287.4(PEX6):c.2362+6T>A

Gene: PEX6 (peroxisomal biogenesis factor 6; minus strand). Cytogenetic location: 6p21.1.
Variant type: single nucleotide variant.
Coding change: c.2362+6T>A on transcript NM_000287.4 (MANE Select); 6 bases into the intron after coding-DNA position 2362, T replaced by A.
Molecular consequence: intron variant.
Genome position (GRCh38, 1-based): chr6:42,966,038, A>T on the plus strand (T>A on the coding strand, the complement: PEX6 is on the minus strand). VCF-style: chr6-42966038-A-T. GRCh37 (hg19) VCF-style: chr6-42933776-A-T.
Other names: c.2098+6T>A (NM_001316313.2).
Identifiers: ClinVar variation 4536293 (VCV004536293.2).

ClinVar aggregate classification (germline): Uncertain significance (1 of 4 stars; one submission).

Submission:

GeneDx
Classification: Uncertain significance. Last evaluated: 2026-09-28. Review status: criteria provided, single submitter. Criteria: GeneDx Variant Classification Process June 2021. Collection method: clinical testing. Allele origin: germline.
Comment: Not observed at significant frequency in large population cohorts (gnomAD); Has not been previously published as pathogenic or benign to our knowledge; In silico analysis is inconclusive as to whether the variant alters gene splicing. In the absence of RNA/functional studies, the actual effect of this sequence change is unknown.